The following is an entry in ClinVar:

ClinVar aggregate classification (germline): Likely benign. Review status: criteria provided, multiple submitters, no conflicts (2 of 4 stars). 3 submissions from 3 submitters: Likely benign (2). 1 of the submissions does not count toward it. Last evaluated 2026-01-12.

Conditions:
CCDC78-related disorder. Also called: CCDC78-related condition.
Congenital myopathy with internal nuclei and atypical cores. Also called: Myopathy, centronuclear, 4. Identifiers: Orphanet 319160, MedGen C4707232, MONDO:0013890, OMIM 614807.

Allele frequency attached by ClinVar (database versions not stated): ESP Exome Variant Server 0.00046; ExAC 0.00057; gnomAD exomes 0.00062; gnomAD 0.00088; TOPMed 0.00102; 1000 Genomes Project 30x 0.00109; 1000 Genomes Project 0.00120.
gnomAD v4.1: 540 of 1,612,446 alleles (0.033%); highest among the groups gnomAD compares: South Asian, 0.25%; 3 homozygotes.

Submissions (3):

Labcorp Genetics (formerly Invitae), Labcorp
Classification: Likely benign for Congenital myopathy with internal nuclei and atypical cores. Last evaluated: 2026-01-12. Review status: criteria provided, single submitter. Criteria: Invitae Variant Classification Sherloc (09022015). Collection method: clinical testing. Allele origin: germline.

Breakthrough Genomics
Classification: Likely benign. Review status: criteria provided, single submitter. Criteria: ACMG Guidelines, 2015. Collection method: not provided. Allele origin: germline. Inheritance: Autosomal dominant inheritance. Affected: yes.

PreventionGenetics, part of Exact Sciences
Classification: Likely benign for CCDC78-related condition. Last evaluated: 2020-09-01. Review status: no assertion criteria provided. Collection method: clinical testing. Allele origin: germline. Not counted in ClinVar's aggregate classification.
Comment: This variant is classified as likely benign based on ACMG/AMP sequence variant interpretation guidelines (Richards et al. 2015 PMID: 25741868, with internal and published modifications).

NM_001378030.1(CCDC78):c.1245G>A (p.Thr415=)

Gene: CCDC78 (coiled-coil domain containing 78; minus strand). Cytogenetic location: 16p13.3.
Variant type: single nucleotide variant.
Coding change: c.1245G>A on transcript NM_001378030.1 (MANE Select); coding-DNA position 1245, G replaced by A.
Protein change: p.Thr415=; no amino-acid change (threonine 415 retained).
Molecular consequence: synonymous variant. On other transcripts: missense variant (1), non-coding transcript variant (5).
Genome position (GRCh38, 1-based): chr16:722,978, C>T on the plus strand (G>A on the coding strand, the complement: CCDC78 is on the minus strand). VCF-style: chr16-722978-C-T. GRCh37 (hg19) VCF-style: chr16-772978-C-T.
Other names: c.1241G>A, p.Arg414Gln (NM_001031737.3); c.1065G>A, p.Thr355= (NM_001378031.1); c.678G>A, p.Thr226= (NM_001378033.1); short protein forms R414Q.
Identifiers: ClinVar variation 473251 (VCV000473251.15), dbSNP rs146067716, ClinGen allele CA7789104.